The following is an entry in ClinVar:

NM_000179.3(MSH6):c.457G>C (p.Gly153Arg)

Gene: MSH6 (mutS homolog 6; plus strand). Cytogenetic location: 2p16.3.
Variant type: single nucleotide variant.
Coding change: c.457G>C on transcript NM_000179.3 (MANE Select); coding-DNA position 457, G replaced by C.
Protein change: p.Gly153Arg; replaces glycine 153 with arginine.
Molecular consequence: missense variant. On other transcripts: 5 prime UTR variant (2), intron variant (1).
Genome position (GRCh38, 1-based): chr2:47,791,123, G>C. VCF-style: chr2-47791123-G-C. GRCh37 (hg19) VCF-style: chr2-48018262-G-C.
Other names: c.-280G>C (NM_001281493.2); c.-446G>C (NM_001281494.2); c.238-7488G>C (NM_001281492.2); short protein forms G153R.
Identifiers: ClinVar variation 525678 (VCV000525678.15), dbSNP rs1060502885, ClinGen allele CA346737213.

ClinVar aggregate classification (germline): Conflicting classifications of pathogenicity. Review status: criteria provided, conflicting classifications (1 of 4 stars). 4 submissions from 4 submitters: Likely pathogenic (2); Uncertain significance (2). Last evaluated 2024-09-11.

Conditions:
Hereditary nonpolyposis colorectal neoplasms. Identifiers: MedGen C0009405, MeSH D003123.
Lynch syndrome 5 (LYNCH5). Also called: Colorectal cancer, hereditary nonpolyposis, type 5; Hereditary non-polyposis colorectal cancer, type 5. Identifiers: Orphanet 144, MedGen C1833477, MONDO:0013710, OMIM 614350. Disease mechanism: loss of function.
Hereditary cancer-predisposing syndrome. Also called: Neoplastic Syndromes, Hereditary; Tumor predisposition; Hereditary Cancer Syndrome; Hereditary neoplastic syndrome. Identifiers: Orphanet 140162, MedGen C0027672, MeSH D009386, MONDO:0015356.

Submissions (4):

Ambry Genetics
Classification: Likely pathogenic for Hereditary cancer-predisposing syndrome. Last evaluated: 2024-09-11. Review status: criteria provided, single submitter. Criteria: Ambry Variant Classification Scheme 2023. Collection method: clinical testing. Allele origin: germline.
Comment: The c.457G>C variant (also known as p.G153R), located in coding exon 2 of the MSH6 gene, results from a G to C substitution at nucleotide position 457. The amino acid change results in glycine to arginine at codon 153, an amino acid with dissimilar properties. However, this change occurs in the last base pair of coding exon 2, which makes it likely to have some effect on normal mRNA splicing. In silico splice site analysis predicts that this alteration may weaken the native splice donor site. RNA studies have demonstrated that this alteration results in abnormal splicing in the set of samples tested (Ambry internal data). This variant is considered to be rare based on population cohorts in the Genome Aggregation Database (gnomAD). This nucleotide position is highly conserved in available vertebrate species. Based on the majority of available evidence to date, this variant is likely to be pathogenic.

Myriad Genetics, Inc.
Classification: Likely pathogenic for Lynch syndrome 5. Last evaluated: 2024-09-11. Review status: criteria provided, single submitter. Criteria: Myriad Autosomal Dominant, Autosomal Recessive and X-Linked Classification Criteria (2023). Collection method: clinical testing. Allele origin: unknown.
Comment: This variant is considered likely pathogenic. mRNA analysis has demonstrated abnormal mRNA splicing occurs [Myriad internal data].

Women's Health and Genetics/Laboratory Corporation of America, LabCorp
Classification: Uncertain significance. Last evaluated: 2023-07-21. Review status: criteria provided, single submitter. Criteria: LabCorp Variant Classification Summary - May 2015. Collection method: clinical testing. Allele origin: germline.
Comment: Variant summary: MSH6 c.457G>C (p.Gly153Arg) results in a non-conservative amino acid change located in the PWWP domain (IPR000313) of the encoded protein sequence. Five of five in-silico tools predict a damaging effect of the variant on protein function. As the variant alters the last conserved nucleotide of exon 2 adjacent to the canonical splice donor site, several computational tools predict a significant impact on normal splicing: One predicts the variant abolishes a canonical 5' splicing donor site, two predict the variant weakens the 5' donor site, and one does not predict a significant impact on splicing. These predictions have yet to be confirmed by functional studies in the published literature, however a ClinVar submitter cites internal data from RNA studies stating that this alteration results in abnormal splicing (Ambry internal data). The variant was absent in 251366 control chromosomes (gnomAD). The available data on variant occurrences in the general population are insufficient to allow any conclusion about variant significance. To our knowledge, no occurrence of c.457G>C in individuals affected with Hereditary Nonpolyposis Colorectal Cancer/Lynch syndrome and no experimental evidence demonstrating its impact on protein function have been reported in the literature. Two submitters have cited clinical-significance assessments for this variant to ClinVar after 2014. One submitter, citing both internal RNA splicing data and an internal observation of the variant in a proband with a Lynch syndrome-associated tumor with loss of MSH6 expression by immunohistochemistry, classified the variant as likely pathogenic, and one submitter classified the variant as uncertain significance. Based on the evidence outlined above, the variant was classified as VUS-possibly pathogenic.

Labcorp Genetics (formerly Invitae), Labcorp
Classification: Uncertain significance for Hereditary nonpolyposis colorectal neoplasms. Last evaluated: 2017-09-23. Review status: criteria provided, single submitter. Criteria: Invitae Variant Classification Sherloc (09022015). Collection method: clinical testing. Allele origin: germline.
Comment: In summary, the available evidence is currently insufficient to determine the role of this variant in disease. Therefore, it has been classified as a Variant of Uncertain Significance. Nucleotide substitutions within the consensus splice site are relatively common causes of aberrant splicing (PMID: 17576681, 9536098). Algorithms developed to predict the effect of sequence changes on RNA splicing suggest that this variant may disrupt the consensus splice site, but this prediction has not been confirmed by published transcriptional studies. This sequence change replaces glycine with arginine at codon 153 of the MSH6 protein (p.Gly153Arg). The glycine residue is moderately conserved and there is a moderate physicochemical difference between glycine and arginine. This variant also falls at the last nucleotide of exon 2 of the MSH6 coding sequence, which is part of the consensus splice site for this exon. This variant is not present in population databases (ExAC no frequency). This variant has not been reported in the literature in individuals with MSH6-related disease. Algorithms developed to predict the effect of missense changes on protein structure and function do not agree on the potential impact of this missense change (SIFT: "Tolerated"; PolyPhen-2: "Probably Damaging"; Align-GVGD: "Class C0").

Literature cited by the submitters: PubMed 17576681 (cited by Labcorp Genetics (formerly Invitae), Labcorp); PubMed 9536098 (cited by Labcorp Genetics (formerly Invitae), Labcorp).